The following is an entry in ClinVar:

ClinVar aggregate classification (germline): Pathogenic/Likely pathogenic. Review status: criteria provided, multiple submitters, no conflicts (2 of 4 stars). 4 submissions from 4 submitters: Pathogenic (1); Likely pathogenic (3). Last evaluated 2025-12-02.

Conditions:
Retinal dystrophy. Also called: Inherited retinal dystrophy. Identifiers: Orphanet 71862, MedGen C0854723, MeSH D058499, MONDO:0019118, HP:0000556.
PDE6B-related disorder. Also called: PDE6B-related disease; PDE6B-related condition; PDE6B-related disorders.

Allele frequency attached by ClinVar (database versions not stated): ExAC below 0.00001; gnomAD 0.00001; gnomAD exomes 0.00001; TOPMed 0.00001.
gnomAD v4.1: 12 of 1,550,100 alleles (0.00077%); highest among the groups gnomAD compares: East Asian, 0.0024%; no homozygotes.

Submissions (4):

Labcorp Genetics (formerly Invitae), Labcorp
Classification: Likely pathogenic. Last evaluated: 2025-12-02. Review status: criteria provided, single submitter. Criteria: Invitae Variant Classification Sherloc (09022015). Collection method: clinical testing. Allele origin: germline.
Comment: This sequence change replaces threonine, which is neutral and polar, with methionine, which is neutral and non-polar, at codon 571 of the PDE6B protein (p.Thr571Met). This variant is not present in population databases (gnomAD no frequency). This missense change has been observed in individuals with clinical features of autosomal recessive retinitis pigmentosa (PMID: 25356976, 29641573, 34721897, 36819107; internal data). ClinVar contains an entry for this variant (Variation ID: 866660). Invitae Evidence Modeling of protein sequence and biophysical properties (such as structural, functional, and spatial information, amino acid conservation, physicochemical variation, residue mobility, and thermodynamic stability) has been performed for this missense variant. However, the output from this modeling did not meet the statistical confidence thresholds required to predict the impact of this variant on PDE6B protein function. In summary, the currently available evidence indicates that the variant is pathogenic, but additional data are needed to prove that conclusively. Therefore, this variant has been classified as Likely Pathogenic.

Dept Of Ophthalmology, Nagoya University
Classification: Likely pathogenic for Retinal dystrophy. Last evaluated: 2023-10-01. Review status: criteria provided, single submitter. Criteria: Submitter's publication. Collection method: research. Allele origin: germline. Affected: yes.

Blueprint Genetics
Classification: Pathogenic for PDE6B-related disorders. Last evaluated: 2022-07-17. Review status: criteria provided, single submitter. Criteria: ACMG Guidelines, 2015. Collection method: clinical testing. Allele origin: germline. Affected: yes. Observed: 5 variant alleles.

GeneDx
Classification: Likely pathogenic. Last evaluated: 2021-05-18. Review status: criteria provided, single submitter. Criteria: GeneDx Variant Classification Process June 2021. Collection method: clinical testing. Allele origin: germline. Affected: yes.
Comment: In silico analysis supports that this missense variant has a deleterious effect on protein structure/function; This variant is associated with the following publications: (PMID: 25356976, 33177553, 31054281, 29641573)

Literature cited by the submitters: PubMed 25356976 (cited by Labcorp Genetics (formerly Invitae), Labcorp); PubMed 29641573 (cited by Labcorp Genetics (formerly Invitae), Labcorp); PubMed 34721897 (cited by Labcorp Genetics (formerly Invitae), Labcorp); PubMed 36819107 (cited by Labcorp Genetics (formerly Invitae), Labcorp).

NM_000283.4(PDE6B):c.1712C>T (p.Thr571Met)

Gene: PDE6B (phosphodiesterase 6B; plus strand). Cytogenetic location: 4p16.3.
Variant type: single nucleotide variant.
Coding change: c.1712C>T on transcript NM_000283.4 (MANE Select); coding-DNA position 1712, C replaced by T.
Protein change: p.Thr571Met; replaces threonine 571 with methionine.
Molecular consequence: missense variant.
Genome position (GRCh38, 1-based): chr4:662,231, C>T. VCF-style: chr4-662231-C-T. GRCh37 (hg19) VCF-style: chr4-656020-C-T.
Other names: c.1712C>T, p.Thr571Met (NM_001145291.2); c.875C>T, p.Thr292Met (NM_001145292.2, NM_001350154.3, NM_001379246.1 and 1 more transcripts); c.557C>T, p.Thr186Met (NM_001350155.3); short protein forms T571M, T186M, T292M.
Identifiers: ClinVar variation 866660 (VCV000866660.16), dbSNP rs761619791, ClinGen allele CA2794640.
Genomic context (GRCh38, chr4:662,231, plus strand): 5'-ACCGGAGAATCACCTACCACAACTGGCGCCACGGCTTCAACGTGGCCCAGACGATGTTCA[C>T]GCTGCTCATGGTACGTGGCTGCCAGAATCACCAGGGTTGTGCAGGCCCTCCTGGTACCAA-3'
Protein context (NP_000274.3, residues 561-581): HGFNVAQTMF[Thr571Met]LLMTGKLKSY